The following is an entry in ClinVar:

NM_001148.6(ANK2):c.2376+35C>T

Gene: ANK2 (ankyrin 2; plus strand). Cytogenetic location: 4q26.
Variant type: single nucleotide variant.
Coding change: c.2376+35C>T on transcript NM_001148.6 (MANE Select); 35 bases into the intron after coding-DNA position 2376, C replaced by T.
Molecular consequence: intron variant.
Genome position (GRCh38, 1-based): chr4:113,292,549, C>T. VCF-style: chr4-113292549-C-T. GRCh37 (hg19) VCF-style: chr4-114213705-C-T.
Other names: c.2364+35C>T (NM_001386186.2, NM_001386148.2); c.2166+35C>T (NM_001354269.3); c.2340+35C>T (NM_001386187.2); c.2334+35C>T (NM_001386147.1, NM_001386160.1, NM_001354261.2); c.2313+35C>T (NM_001354254.2, NM_001354239.2, NM_001354252.2 and 10 more transcripts); c.2214+35C>T (NM_001354253.2, NM_001354270.2, NM_001354257.2 and 1 more transcripts); c.2289+35C>T (NM_001354249.2, NM_001354266.2, NM_001354276.2 and 10 more transcripts); c.2190+35C>T (NM_001386151.1, NM_001354260.2, NM_001354271.2); and 8 more.
Identifiers: ClinVar variation 673852 (VCV000673852.2), dbSNP rs72556366, ClinGen allele CA3050534.

ClinVar aggregate classification (germline): Likely benign. Review status: criteria provided, multiple submitters, no conflicts (2 of 4 stars). 2 submissions from 2 submitters: Likely benign (2). Last evaluated 2018-06-19.

Allele frequency attached by ClinVar (database versions not stated): 1000 Genomes Project 30x 0.00468; 1000 Genomes Project 0.00499; gnomAD 0.00777 and 0.00778; TOPMed 0.00801; gnomAD exomes 0.00838 and 0.00970; ESP Exome Variant Server 0.00869; ExAC 0.01041.
gnomAD v4.1: 14,588 of 1,541,388 alleles (0.95%); highest among the groups gnomAD compares: Middle Eastern, 1.5%; 88 homozygotes.

Submissions (2):

GeneDx
Classification: Likely benign. Last evaluated: 2018-06-19. Review status: criteria provided, single submitter. Criteria: GeneDx Variant Classification (06012015). Collection method: clinical testing. Allele origin: germline. Affected: yes.
Comment: This variant is considered likely benign or benign based on one or more of the following criteria: it is a conservative change, it occurs at a poorly conserved position in the protein, it is predicted to be benign by multiple in silico algorithms, and/or has population frequency not consistent with disease.

Breakthrough Genomics
Classification: Likely benign. Review status: criteria provided, single submitter. Criteria: ACMG Guidelines, 2015. Collection method: not provided. Allele origin: germline. Inheritance: Autosomal dominant inheritance. Affected: yes.